The following is an entry in ClinVar:

NM_005228.5(EGFR):c.1639A>T (p.Arg547Trp)

Gene: EGFR (epidermal growth factor receptor; plus strand). Cytogenetic location: 7p11.2.
Variant type: single nucleotide variant.
Coding change: c.1639A>T on transcript NM_005228.5 (MANE Select); coding-DNA position 1639, A replaced by T.
Protein change: p.Arg547Trp; replaces arginine 547 with tryptophan.
Molecular consequence: missense variant.
Genome position (GRCh38, 1-based): chr7:55,163,740, A>T. VCF-style: chr7-55163740-A-T. GRCh37 (hg19) VCF-style: chr7-55231433-A-T.
Other names: c.1639A>T, p.Arg547Trp (NM_001346898.2, NM_201282.2, NM_201284.2); c.1504A>T, p.Arg502Trp (NM_001346899.2, NM_001346897.2); c.1480A>T, p.Arg494Trp (NM_001346900.2); c.838A>T, p.Arg280Trp (NM_001346941.2); short protein forms R494W, R280W, R502W, R547W.
Identifiers: ClinVar variation 4247330 (VCV004247330.1).

ClinVar aggregate classification (germline): Uncertain significance (1 of 4 stars; one submission).

Conditions:
Hereditary cancer-predisposing syndrome. Also called: Hereditary Cancer Syndrome; Hereditary neoplastic syndrome; Neoplastic Syndromes, Hereditary; Tumor predisposition. Identifiers: Orphanet 140162, MedGen C0027672, MeSH D009386, MONDO:0015356.

Submission:

Ambry Genetics
Classification: Uncertain significance for Hereditary cancer-predisposing syndrome. Last evaluated: 2025-08-02. Review status: criteria provided, single submitter. Criteria: Ambry Variant Classification Scheme 2023. Collection method: clinical testing. Allele origin: germline.
Comment: The p.R547W variant (also known as c.1639A>T), located in coding exon 14 of the EGFR gene, results from an A to T substitution at nucleotide position 1639. The arginine at codon 547 is replaced by tryptophan, an amino acid with dissimilar properties. This amino acid position is conserved. In addition, the in silico prediction for this alteration is inconclusive. Based on the available evidence, the clinical significance of this variant remains unclear.